The following is an entry in ClinVar:

NM_000384.3(APOB):c.9937C>A (p.Leu3313Ile)

Gene: APOB (apolipoprotein B; minus strand). Cytogenetic location: 2p24.1.
Variant type: single nucleotide variant.
Coding change: c.9937C>A on transcript NM_000384.3 (MANE Select); coding-DNA position 9937, C replaced by A.
Protein change: p.Leu3313Ile; replaces leucine 3313 with isoleucine.
Molecular consequence: missense variant.
Genome position (GRCh38, 1-based): chr2:21,006,931, G>T on the plus strand (C>A on the coding strand, the complement: APOB is on the minus strand). VCF-style: chr2-21006931-G-T. GRCh37 (hg19) VCF-style: chr2-21229803-G-T.
Other names: short protein forms L3313I.
Identifiers: ClinVar variation 544097 (VCV000544097.23), dbSNP rs146687604, ClinGen allele CA066985.
Genomic context (GRCh38, chr2:21,006,931, plus strand): 5'-CAGGAATAAAAATATGGCTTATGGTACACAATTCCTTGAAATCTGGAAGAGAAAGCTTGA[G>T]ATTTCTAGGGACATGAAGGACTGGCAGCTCTAATGATGGCAGGATTAATGTGTATGAAGG-3'
Protein context (NP_000375.3, residues 3303-3323): ELPVLHVPRN[Leu3313Ile]KLSLPDFKEL

ClinVar aggregate classification (germline): Conflicting classifications of pathogenicity. Review status: criteria provided, conflicting classifications (1 of 4 stars). 7 submissions from 7 submitters: Uncertain significance (2); Benign (1); Likely benign (4). Last evaluated 2026-05-14.

Conditions:
Familial hypobetalipoproteinemia 1. Also called: Hypobetalipoproteinemia, normotriglyceridemic; Acanthocytosis with hypobetalipoproteinemia; APOB-Related Familial Hypobetalipoproteinemia. Identifiers: MedGen C4551990, MONDO:0014252, OMIM 615558.
Hypercholesterolemia, autosomal dominant, type B (FHCL2). Also called: Familial Hypercholesterolemia Type B; APOLIPOPROTEIN B-100, FAMILIAL DEFECTIVE; APOLIPOPROTEIN B-100, FAMILIAL LIGAND-DEFECTIVE; Familial hypercholesterolemia 2; Hyperlipoproteinemia Type IIb; APOB-Related Familial Hypercholesterolemia, Autosomal Dominant. Identifiers: MedGen C1704417, MONDO:0007751, OMIM 144010.
Familial hypercholesterolemia. Also called: Familial hypercholesterolemias; Familial hypercholesterolaemia. Identifiers: MedGen C0020445, MONDO:0005439.
Cardiovascular phenotype. Identifiers: MedGen CN230736.

Allele frequency attached by ClinVar (database versions not stated): gnomAD exomes 0.00018; ExAC 0.00022; TOPMed 0.00070; gnomAD 0.00082 and 0.00088; 1000 Genomes Project 30x 0.00094; 1000 Genomes Project 0.00100; ESP Exome Variant Server 0.00108.
gnomAD v4.1: 226 of 1,614,096 alleles (0.014%); highest among the groups gnomAD compares: African/African-American, 0.27%; no homozygotes.

Submissions (7):

Cambridge Genomics Laboratory, East Genomic Laboratory Hub, NHS Genomic Medicine Service
Classification: Uncertain significance for Familial hypercholesterolaemia. Last evaluated: 2026-05-14. Review status: criteria provided, single submitter. Criteria: ACGS Best Practice Guidelines for Variant Classification in Rare Disease 2020. Collection method: clinical testing. Allele origin: germline. Affected: yes.
Comment: BS1_Strong

Labcorp Genetics (formerly Invitae), Labcorp
Classification: Likely benign for Familial hypobetalipoproteinemia 1; Hypercholesterolemia, autosomal dominant, type B. Last evaluated: 2026-01-27. Review status: criteria provided, single submitter. Criteria: Invitae Variant Classification Sherloc (09022015). Collection method: clinical testing. Allele origin: germline.

Blueprint Genetics
Classification: Likely benign. Last evaluated: 2024-11-26. Review status: criteria provided, single submitter. Criteria: ACMG Guidelines, 2015. Collection method: clinical testing. Allele origin: germline.

Ambry Genetics
Classification: Benign for Cardiovascular phenotype. Last evaluated: 2024-11-15. Review status: criteria provided, single submitter. Criteria: Ambry Variant Classification Scheme 2023. Collection method: clinical testing. Allele origin: germline.

Quest Diagnostics Nichols Institute San Juan Capistrano
Classification: Likely benign. Last evaluated: 2023-04-11. Review status: criteria provided, single submitter. Criteria: Quest Diagnostics criteria. Collection method: clinical testing. Allele origin: unknown.

GeneDx
Classification: Likely benign. Last evaluated: 2019-04-29. Review status: criteria provided, single submitter. Criteria: GeneDx Variant Classification Process June 2021. Collection method: clinical testing. Allele origin: germline. Affected: yes.
Comment: Has not been previously published as pathogenic or benign to our knowledge

Baylor Genetics
Classification: Uncertain significance for Hypercholesterolemia, autosomal dominant, type B. Last evaluated: 2018-06-28. Review status: criteria provided, single submitter. Criteria: ACMG Guidelines, 2015. Collection method: clinical testing. Allele origin: unknown. Affected: yes.
Comment: This variant was determined to be of uncertain significance according to ACMG Guidelines, 2015 [PMID:25741868].

Literature cited by the submitters: PubMed 32489792 (cited by Quest Diagnostics Nichols Institute San Juan Capistrano).